The following is an entry in ClinVar:

NM_015978.3(TNNI3K):c.1028-2A>G

Genes: TNNI3K (TNNI3 interacting kinase; plus strand), FPGT-TNNI3K (FPGT-TNNI3K readthrough; plus strand). Cytogenetic location: 1p31.1.
Variant type: single nucleotide variant.
Coding change: c.1028-2A>G on transcript NM_015978.3 (MANE Select); the canonical splice acceptor site of the intron before coding-DNA position 1028, A replaced by G.
Molecular consequence: splice acceptor variant.
Genome position (GRCh38, 1-based): chr1:74,353,978, A>G. VCF-style: chr1-74353978-A-G. GRCh37 (hg19) VCF-style: chr1-74819662-A-G.
Other names: c.1331-2A>G (NM_001112808.3, NM_001199327.2).
Identifiers: ClinVar variation 1440415 (VCV001440415.6), dbSNP rs139261072, ClinGen allele CA909131.

ClinVar aggregate classification (germline): Uncertain significance (1 of 4 stars; one submission).

Allele frequency attached by ClinVar (database versions not stated): gnomAD exomes 0.00001 and 0.00003; ExAC 0.00003; gnomAD 0.00011 and 0.00012; ESP Exome Variant Server 0.00015; TOPMed 0.00015; 1000 Genomes Project 30x 0.00016; 1000 Genomes Project 0.00020.
gnomAD v4.1: 32 of 1,598,578 alleles (0.002%); highest among the groups gnomAD compares: African/African-American, 0.04%; 1 homozygote.

Submission:

Labcorp Genetics (formerly Invitae), Labcorp
Classification: Uncertain significance. Last evaluated: 2025-12-30. Review status: criteria provided, single submitter. Criteria: Invitae Variant Classification Sherloc (09022015). Collection method: clinical testing. Allele origin: germline.
Comment: This sequence change affects an acceptor splice site in intron 10 of the TNNI3K gene. It is expected to disrupt RNA splicing. Variants that disrupt the donor or acceptor splice site typically lead to a loss of protein function (PMID: 16199547), however the current clinical and genetic evidence is not sufficient to establish whether loss-of-function variants in TNNI3K cause disease. This variant is present in population databases (rs139261072, gnomAD 0.05%). This variant has not been reported in the literature in individuals affected with TNNI3K-related conditions. ClinVar contains an entry for this variant (Variation ID: 1440415). Algorithms developed to predict the effect of sequence changes on RNA splicing suggest that this variant may disrupt the consensus splice site. In summary, the available evidence is currently insufficient to determine the role of this variant in disease. Therefore, it has been classified as a Variant of Uncertain Significance.

Literature cited by the submitters: PubMed 16199547.